The following is an entry in ClinVar:

GRCh38/hg38 7q11.23(chr7:73287077-74720592)x3

Genes: MIR590 (microRNA 590; plus strand), MLXIPL (MLX interacting protein like; minus strand), NSUN5 (NOP2/Sun RNA methyltransferase 5; minus strand), RFC2 (replication factor C subunit 2; minus strand), STX1A (syntaxin 1A; minus strand) and 128 more. Cytogenetic location: 7q11.23.
Variant type: copy number gain.
Change: copy number 3 (three copies instead of two) of chr7:73,287,077-74,720,592 (1.43 Mb, GRCh38 coordinates, 1-based), cytogenetic band 7q11.23.
Identifiers: ClinVar variation 4888319 (VCV004888319.1).

ClinVar aggregate classification (germline): Pathogenic (1 of 4 stars; one submission).

Conditions:
7q11.23 microduplication syndrome. Also called: Williams-Beuren region duplication syndrome; 7q11.23 Duplication Syndrome; WBS DUPLICATION SYNDROME; CHROMOSOME 7q11.23 DUPLICATION SYNDROME. Identifiers: Orphanet 96121, MedGen C1857844, MONDO:0012342, OMIM 609757.

Submission:

New York Genome Center
Classification: Pathogenic for 7q11.23 microduplication syndrome. Last evaluated: 2024-04-11. Review status: criteria provided, single submitter. Criteria: NYGC Assertion Criteria 2020. Collection method: clinical testing. Allele origin: de novo. Observed: 1 variant allele.
Comment: An approximately 1.43 Mb de novo duplication was identified on the long arm of chromosome 7 (7q11.23). The duplicated region contains 36 protein coding genes and completely overlaps with the recurrent 7q11.23 microduplication syndrome that has been curated to have triplosensitivity effect by ClinGen. Duplication of the 7q11.23 region is considered highly penetrant with variable phenotypes expressed that may include speech delay, autistic features, motor delay, seizures, hypotonia, brain anomalies, joint laxity, and craniofacial abnormalities [PMID: 26610320, 21658581, 25217958]. Duplication of 7q11.23 has been reported inherited and de novo in the literature. Although there is not an established relationship between duplication of 7q11.23 and anencephaly, one case with 7q11.23 duplication and anencephaly has been reported in the literature [PMID: 32863884]. Based on available evidence this de novo approximately 1.43 Mb duplication at 7q11.23 is classified here as Pathogenic.